The following is an entry in ClinVar:

ClinVar aggregate classification (germline): Benign/Likely benign. Review status: criteria provided, multiple submitters, no conflicts (2 of 4 stars). 3 submissions from 3 submitters: Benign (1); Likely benign (1). 1 of the submissions does not count toward it. Last evaluated 2026-01-20.

Conditions:
BMP1-related disorder. Also called: BMP1-related condition.

Allele frequency attached by ClinVar (database versions not stated): gnomAD exomes 0.00008 and 0.00028; ExAC 0.00033; ESP Exome Variant Server 0.00069; gnomAD 0.00077 and 0.00084; TOPMed 0.00100; 1000 Genomes Project 0.00120; 1000 Genomes Project 30x 0.00141.
gnomAD v4.1: 246 of 1,614,162 alleles (0.015%); highest among the groups gnomAD compares: African/African-American, 0.28%; no homozygotes.

Submissions (3):

Labcorp Genetics (formerly Invitae), Labcorp
Classification: Benign. Last evaluated: 2026-01-20. Review status: criteria provided, single submitter. Criteria: Invitae Variant Classification Sherloc (09022015). Collection method: clinical testing. Allele origin: germline.

GeneDx
Classification: Likely benign. Last evaluated: 2020-11-09. Review status: criteria provided, single submitter. Criteria: GeneDx Variant Classification Process June 2021. Collection method: clinical testing. Allele origin: germline. Affected: yes.

PreventionGenetics, part of Exact Sciences
Classification: Likely benign for BMP1-related condition. Last evaluated: 2022-04-28. Review status: no assertion criteria provided. Collection method: clinical testing. Allele origin: germline. Not counted in ClinVar's aggregate classification.
Comment: This variant is classified as likely benign based on ACMG/AMP sequence variant interpretation guidelines (Richards et al. 2015 PMID: 25741868, with internal and published modifications).

NM_006129.5(BMP1):c.2827-4C>T

Gene: BMP1 (bone morphogenetic protein 1; plus strand). Cytogenetic location: 8p21.3.
Variant type: single nucleotide variant.
Coding change: c.2827-4C>T on transcript NM_006129.5 (MANE Select); 4 bases into the intron before coding-DNA position 2827, C replaced by T.
Molecular consequence: intron variant.
Genome position (GRCh38, 1-based): chr8:22,211,590, C>T. VCF-style: chr8-22211590-C-T. GRCh37 (hg19) VCF-style: chr8-22069103-C-T.
Other names: c.2827-4C>T (NM_006129.4).
Identifiers: ClinVar variation 1211409 (VCV001211409.13), dbSNP rs372422280, ClinGen allele CA4665392.